The following is an entry in ClinVar:

NM_001353345.2(SETD1B):c.3525G>A (p.Ser1175=)

Gene: SETD1B (SET domain containing 1B, histone lysine methyltransferase; plus strand). Cytogenetic location: 12q24.31.
Variant type: single nucleotide variant.
Coding change: c.3525G>A on transcript NM_001353345.2 (MANE Select); coding-DNA position 3525, G replaced by A.
Protein change: p.Ser1175=; no amino-acid change (serine 1175 retained).
Molecular consequence: synonymous variant.
Genome position (GRCh38, 1-based): chr12:121,819,510, G>A. VCF-style: chr12-121819510-G-A. GRCh37 (hg19) VCF-style: chr12-122257416-G-A.
Other names: NM_015048.1:c.3396G>A; NC_000012.11:g.122257416G>A.
Identifiers: ClinVar variation 2498571 (VCV002498571.31), dbSNP rs376587616, ClinGen allele CA6839081.

ClinVar aggregate classification (germline): Likely benign. Review status: criteria provided, multiple submitters, no conflicts (2 of 4 stars). 3 submissions from 3 submitters: Likely benign (2). 1 of the submissions does not count toward it. Last evaluated 2026-09-01.

Conditions:
SETD1B-related disorder. Also called: SETD1B-related condition.

Allele frequency attached by ClinVar (database versions not stated): gnomAD exomes 0.00151; 1000 Genomes Project 30x 0.00016; 1000 Genomes Project 0.00020; ExAC 0.00058; gnomAD 0.00082; TOPMed 0.00091; ESP Exome Variant Server 0.00110.
gnomAD v4.1: 2,237 of 1,551,896 alleles (0.14%); highest among the groups gnomAD compares: Non-Finnish European, 0.18%; 4 homozygotes.

Submissions (4):

CeGaT Center for Human Genetics Tuebingen
Classification: Likely benign. Last evaluated: 2026-09-01. Review status: criteria provided, single submitter. Criteria: CeGaT Center For Human Genetics Tuebingen Variant Classification Criteria Version 2. Collection method: clinical testing. Allele origin: germline. Affected: yes. Observed: 11 variant alleles.
Comment: SETD1B: BP4, BP7

Blueprint Genetics
Classification: Likely benign. Last evaluated: 2024-10-23. Review status: criteria provided, single submitter. Criteria: ACMG Guidelines, 2015. Collection method: clinical testing. Allele origin: germline.

PreventionGenetics, part of Exact Sciences
Classification: Likely benign for SETD1B-related condition. Last evaluated: 2022-02-28. Review status: no assertion criteria provided. Collection method: clinical testing. Allele origin: germline. Not counted in ClinVar's aggregate classification.
Comment: This variant is classified as likely benign based on ACMG/AMP sequence variant interpretation guidelines (Richards et al. 2015 PMID: 25741868, with internal and published modifications).

Dr. Peter K. Rogan Lab, Western University
No classification provided (evidence only). Condition: Malignant tumor of esophagus. Review status: no classification provided. Collection method: in vitro. Allele origin: not applicable. Functional consequence: skipped exon. Not counted in ClinVar's aggregate classification.